The following is an entry in ClinVar:

NM_144687.4(NLRP12):c.1966C>T (p.Arg656Cys)

Gene: NLRP12 (NLR family pyrin domain containing 12; minus strand). Cytogenetic location: 19q13.42.
Variant type: single nucleotide variant.
Coding change: c.1966C>T on transcript NM_144687.4 (MANE Select); coding-DNA position 1966, C replaced by T.
Protein change: p.Arg656Cys; replaces arginine 656 with cysteine.
Molecular consequence: missense variant.
Genome position (GRCh38, 1-based): chr19:53,809,693, G>A on the plus strand (C>T on the coding strand, the complement: NLRP12 is on the minus strand). VCF-style: chr19-53809693-G-A. GRCh37 (hg19) VCF-style: chr19-54312947-G-A.
Other names: c.1966C>T, p.Arg656Cys (NM_001277126.2, NM_001277129.1); short protein forms R656C.
Identifiers: ClinVar variation 961383 (VCV000961383.10), dbSNP rs1183145840, ClinGen allele CA407411806.
Genomic context (GRCh38, chr19:53,809,693, plus strand): 5'-CTTCCCCGTCCGCGCTGTAGGTGGCGCCATACAAGTGCAGCACCTGGGCGCTCCTGCAGC[G>A]CTTCAGACAGAACGAGGAGACCATGTGCTCCATCTTGGAGGCAATGTTGCTGACCACGAT-3'
Protein context (NP_653288.1, residues 646-666): EHMVSSFCLK[Arg656Cys]CRSAQVLHLY

ClinVar aggregate classification (germline): Uncertain significance. Review status: criteria provided, multiple submitters, no conflicts (2 of 4 stars). 2 submissions from 2 submitters: Uncertain significance (2). Last evaluated 2023-02-10.

Conditions:
Familial cold autoinflammatory syndrome 2 (FCAS2). Identifiers: Orphanet 247868, MedGen C2673198, MONDO:0012724, OMIM 611762.

gnomAD v4.1: 5 of 1,614,082 alleles (0.00031%); highest among the groups gnomAD compares: Non-Finnish European, 0.00042%; no homozygotes.

Submissions (2):

Blueprint Genetics
Classification: Uncertain significance. Last evaluated: 2023-02-10. Review status: criteria provided, single submitter. Criteria: ACMG Guidelines, 2015. Collection method: clinical testing. Allele origin: germline.

Labcorp Genetics (formerly Invitae), Labcorp
Classification: Uncertain significance for Familial cold autoinflammatory syndrome 2. Last evaluated: 2019-11-06. Review status: criteria provided, single submitter. Criteria: Invitae Variant Classification Sherloc (09022015). Collection method: clinical testing. Allele origin: germline.
Comment: This variant has not been reported in the literature in individuals with NLRP12-related conditions. This sequence change replaces arginine with cysteine at codon 656 of the NLRP12 protein (p.Arg656Cys). The arginine residue is weakly conserved and there is a large physicochemical difference between arginine and cysteine. This variant is not present in population databases (ExAC no frequency). Algorithms developed to predict the effect of missense changes on protein structure and function (SIFT, PolyPhen-2, Align-GVGD) all suggest that this variant is likely to be tolerated, but these predictions have not been confirmed by published functional studies and their clinical significance is uncertain. In summary, the available evidence is currently insufficient to determine the role of this variant in disease. Therefore, it has been classified as a Variant of Uncertain Significance.